The following is an entry in ClinVar:

NM_000531.6(OTC):c.622G>T (p.Ala208Ser)

Gene: OTC (ornithine transcarbamylase; plus strand). Cytogenetic location: Xp11.4.
Variant type: single nucleotide variant.
Coding change: c.622G>T on transcript NM_000531.6 (MANE Select); coding-DNA position 622, G replaced by T.
Protein change: p.Ala208Ser; replaces alanine 208 with serine.
Molecular consequence: missense variant.
Genome position (GRCh38, 1-based): chrX:38,403,699, G>T. VCF-style: chrX-38403699-G-T. GRCh37 (hg19) VCF-style: chrX-38262952-G-T.
Other names: c.622G>T, p.Ala208Ser (NM_001407092.1); c.622G>T (NM_000531.5); short protein forms A208S.
Identifiers: ClinVar variation 2083011 (VCV002083011.11), dbSNP rs72558416, ClinGen allele CA10385897.

ClinVar aggregate classification (germline): Conflicting classifications of pathogenicity. Review status: criteria provided, conflicting classifications (1 of 4 stars). 5 submissions from 5 submitters: Likely pathogenic (2); Uncertain significance (3). Last evaluated 2026-05-06.

Conditions:
Ornithine carbamoyltransferase deficiency (OTCD). Also called: Ornithine Carbamoyltransferase Deficiency Disease; ORNITHINE TRANSCARBAMYLASE DEFICIENCY; ORNITHINE TRANSCARBAMYLASE DEFICIENCY, HYPERAMMONEMIA DUE TO; OTC DEFICIENCY. Identifiers: Orphanet 664, MedGen C0268542, MONDO:0010703, OMIM 311250.
Inborn genetic diseases. Identifiers: MedGen C0950123, MeSH D030342.

Allele frequency attached by ClinVar (database versions not stated): ExAC 0.00001.
gnomAD v4.1: 11 of 1,210,067 alleles (0.00091%); highest among the groups gnomAD compares: Non-Finnish European, 0.0012%; no homozygotes.

Submissions (5):

GeneDx
Classification: Likely pathogenic. Last evaluated: 2026-05-06. Review status: criteria provided, single submitter. Criteria: GeneDx Variant Classification Process June 2021. Collection method: clinical testing. Allele origin: germline.
Comment: Published functional studies support this variant retains residual OTC activity (PMID: 37146589); Not observed at significant frequency in large population cohorts (gnomAD); In silico analysis suggests that this missense variant does not alter protein structure/function; This variant is associated with the following publications: (PMID: 37146589, 25026867, 9007316, 17437397)

Women's Health and Genetics/Laboratory Corporation of America, LabCorp
Classification: Uncertain significance. Last evaluated: 2025-06-27. Review status: criteria provided, single submitter. Criteria: LabCorp Variant Classification Summary - May 2015. Collection method: clinical testing. Allele origin: germline.
Comment: Variant summary: OTC c.622G>T (p.Ala208Ser) results in a conservative amino acid change located in the Aspartate/ornithine carbamoyltransferase, Asp/Orn-binding domain (IPR006131) of the encoded protein sequence. Algorithms developed to predict the effect of missense changes on protein structure and function are either unavailable or do not agree on the potential impact of this missense change. The variant allele was found at a frequency of 5.5e-06 in 183108 control chromosomes. The available data on variant occurrences in the general population are insufficient to allow any conclusion about variant significance. To our knowledge, no occurrence of c.622G>T in individuals affected with Ornithine Transcarbamylase Deficiency and no experimental evidence demonstrating its impact on protein function have been reported. A different variant affecting the same codon has been classified as pathogenic by our lab (c.622G>A, p.Ala208Thr), supporting the critical relevance of codon 208 to OTC protein function. ClinVar contains an entry for this variant (Variation ID: 2083011). Based on the evidence outlined above, the variant was classified as uncertain significance.

Ambry Genetics
Classification: Uncertain significance for Inborn genetic diseases. Last evaluated: 2025-01-28. Review status: criteria provided, single submitter. Criteria: Ambry Variant Classification Scheme 2023. Collection method: clinical testing. Allele origin: germline.
Comment: The c.622G>T (p.A208S) alteration is located in exon 6 (coding exon 6) of the OTC gene. This alteration results from a G to T substitution at nucleotide position 622, causing the alanine (A) at amino acid position 208 to be replaced by a serine (S). Based on data from gnomAD, the T allele has an overall frequency of 0.0011% (1/183108) total alleles studied, with 0 hemizygote(s) observed. The highest observed frequency was 0.0025% (1/40809) of non-Finnish European alleles. Other variant(s) at the same codon, c.622G>A (p.A208T), have been identified in individual(s) with features consistent with ornithine transcarbamylase deficiency (van Diggelen, 1996; Schultz, 2000; Cavicchi, 2014; Mart&iacute;n-Hern&aacute;ndez, 2014; Gascon-Bayarri, 2015; S&aacute;nchez, 2017; Silvera-Ruiz, 2019; Lu, 2020). This amino acid position is highly conserved in available vertebrate species. This alteration is predicted to be deleterious by in silico analysis. Based on insufficient or conflicting evidence, the clinical significance of this alteration remains unclear.

All of Us Research Program, National Institutes of Health
Classification: Uncertain significance for Ornithine carbamoyltransferase deficiency. Last evaluated: 2024-09-23. Review status: criteria provided, single submitter. Criteria: ACMG Guidelines, 2015. Collection method: clinical testing. Allele origin: germline. Inheritance: X-linked inheritance. Observed: 1 variant allele, 1 heterozygote.
Comment: This study involves interpretation of variants in research participants for the purpose of population health screening. Participant phenotype was not available at the time of variant classification. Additional details can be found in publication PMID: 35346344, PMCID: PMC8962531

Labcorp Genetics (formerly Invitae), Labcorp
Classification: Likely pathogenic for Ornithine carbamoyltransferase deficiency. Last evaluated: 2022-04-11. Review status: criteria provided, single submitter. Criteria: Invitae Variant Classification Sherloc (09022015). Collection method: clinical testing. Allele origin: germline.
Comment: This variant has not been reported in the literature in individuals affected with OTC-related conditions. In summary, the currently available evidence indicates that the variant is pathogenic, but additional data are needed to prove that conclusively. Therefore, this variant has been classified as Likely Pathogenic. This variant disrupts the p.Ala208 amino acid residue in OTC. Other variant(s) that disrupt this residue have been determined to be pathogenic (PMID: 9007316, 9028466, 10799432, 25949836, 26819360). This suggests that this residue is clinically significant, and that variants that disrupt this residue are likely to be disease-causing. Advanced modeling of protein sequence and biophysical properties (such as structural, functional, and spatial information, amino acid conservation, physicochemical variation, residue mobility, and thermodynamic stability) performed at Invitae indicates that this missense variant is expected to disrupt OTC protein function. This variant is present in population databases (rs72558416, gnomAD 0.001%). This sequence change replaces alanine, which is neutral and non-polar, with serine, which is neutral and polar, at codon 208 of the OTC protein (p.Ala208Ser).

Literature cited by the submitters: PubMed 9007316 (cited by Ambry Genetics and Labcorp Genetics (formerly Invitae), Labcorp); PubMed 10799432 (cited by Ambry Genetics and Labcorp Genetics (formerly Invitae), Labcorp); PubMed 25026867 (cited by Ambry Genetics); PubMed 25433810 (cited by Ambry Genetics); PubMed 25949836 (cited by Ambry Genetics and Labcorp Genetics (formerly Invitae), Labcorp); PubMed 28261508 (cited by Ambry Genetics); PubMed 31426867 (cited by Ambry Genetics); PubMed 33272297 (cited by Ambry Genetics); PubMed 9028466 (cited by Labcorp Genetics (formerly Invitae), Labcorp); PubMed 26819360 (cited by Labcorp Genetics (formerly Invitae), Labcorp).